The following is an entry in ClinVar:

ClinVar aggregate classification (germline): Pathogenic (1 of 4 stars; one submission).

Conditions:
Fabry disease. Also called: ALPHA-GALACTOSIDASE A DEFICIENCY; ANDERSON-FABRY DISEASE; CERAMIDE TRIHEXOSIDASE DEFICIENCY; GLA DEFICIENCY; HEREDITARY DYSTOPIC LIPIDOSIS; Angiokeratoma corporis diffusum. Identifiers: Orphanet 324, MedGen C0002986, MONDO:0010526, OMIM 301500, HP:0001071. Disease mechanism: Fabry disease is due to inactivating mutations in the X-linked GLA gene resulting in deficiency of the enzyme Alpha Galactosidase-A., loss of function.

Submission:

Genomenon, Inc
Classification: Pathogenic for Fabry disease. Last evaluated: 2026-09-08. Review status: criteria provided, single submitter. Criteria: Genomenon Sequence Variant Interpretation Standards - Updated. Collection method: curation. Allele origin: germline. Affected: yes.
Comment: GLA p.Cys174Tyr (c.521G>A) is a missense variant that changes the amino acid at codon 174 from Cysteine to Tyrosine. This variant has been observed in at least one proband with clinical features consistent with Fabry disease (PMID:36140787;38002959). The variant was found to segregate with disease in at least one affected family (PMID:36140787;38002959). At least one functional study has demonstrated a substantial alteration in protein function relative to the wild-type (PMID:26044846). It is absent or not present at a significant frequency in gnomAD. In conclusion, we classify GLA p.Cys174Tyr (c.521G>A) as a pathogenic variant.

Literature cited by the submitters: PubMed 36140787; PubMed 38002959; PubMed 26044846.

NM_000169.3(GLA):c.521G>A (p.Cys174Tyr)

Genes: GLA (galactosidase alpha; minus strand), RPL36A-HNRNPH2 (RPL36A-HNRNPH2 readthrough; plus strand). Cytogenetic location: Xq22.1.
Variant type: single nucleotide variant.
Coding change: c.521G>A on transcript NM_000169.3 (MANE Select); coding-DNA position 521, G replaced by A.
Protein change: p.Cys174Tyr; replaces cysteine 174 with tyrosine.
Molecular consequence: missense variant. On other transcripts: non-coding transcript variant (3), intron variant (2).
Genome position (GRCh38, 1-based): chrX:101,401,658, C>T on the plus strand (G>A on the coding strand, the complement: GLA is on the minus strand). VCF-style: chrX-101401658-C-T. GRCh37 (hg19) VCF-style: chrX-100656646-C-T.
Other names: c.644G>A, p.Cys215Tyr (NM_001406747.1, NM_001406749.1); c.521G>A, p.Cys174Tyr (NM_001406748.1); c.300+6201C>T (NM_001199973.2); c.177+9836C>T (NM_001199974.2); short protein forms C174Y, C215Y.
Identifiers: ClinVar variation 4087411 (VCV004087411.2).
Genomic context (GRCh38, chrX:101,401,658, plus strand): 5'-CCTTTGTGGCTAAATCTCTGGAATGAAACATTACCATCTGCCAAATTTTCCAAACTGTCA[C>T]AGTAACAACCATCAAATTTTAGCAGATCTACTCCCCAGTCAGCAAAGGTCTGGGCATCAA-3'
Protein context (NP_000160.1, residues 164-184): VDLLKFDGCY[Cys174Tyr]DSLENLADGY